The following is an entry in ClinVar:

ClinVar aggregate classification (germline): Likely pathogenic. Review status: criteria provided, multiple submitters, no conflicts (2 of 4 stars). 2 submissions from 2 submitters: Likely pathogenic (2). Last evaluated 2022-01-05.

Conditions:
ABCA4-related disorder. Also called: ABCA4-related disorders; ABCA4-related condition. Identifiers: MedGen CN239167.

Submissions (2):

Blueprint Genetics
Classification: Likely pathogenic for ABCA4-related disorders. Last evaluated: 2022-01-05. Review status: criteria provided, single submitter. Criteria: ACMG Guidelines, 2015. Collection method: clinical testing. Allele origin: germline. Affected: yes. Observed: 1 variant allele.

GeneDx
Classification: Likely pathogenic. Last evaluated: 2014-06-23. Review status: criteria provided, single submitter. Criteria: GeneDx Variant Classification (06012015). Collection method: clinical testing. Allele origin: germline. Affected: yes.
Comment: A novel L750P variant, likely disease-causing, was identified in the ABCA4 gene. It has not been published as a pathogenic variant, nor has it been reported as a benign polymorphism to our knowledge. The L750P variant was not observed in approximately 6,500 individuals of European and African American ancestry in an external database, indicating it is not a common benign variant in these populations. The L750P variant is a semi-conservative amino acid substitution, which may impact secondary protein structure as these residues differ in some properties. This substitution occurs at a position that is highly conserved across species. In silico analysis predicts this variant is probably damaging to the protein structure/function. A missense variant in a nearby residue (C748Y) has been reported in the Human Gene Mutation Database in association with Stargardt disease (Stenson et al., 2009), supporting the functional importance of this region of the protein. Therefore, this variant is a strong candidate for a pathogenic variant, however the possibility that it is a benign variant cannot be excluded.

NM_000350.3(ABCA4):c.2249T>C (p.Leu750Pro)

Gene: ABCA4 (ATP binding cassette subfamily A member 4; minus strand). Cytogenetic location: 1p22.1.
Variant type: single nucleotide variant.
Coding change: c.2249T>C on transcript NM_000350.3 (MANE Select); coding-DNA position 2249, T replaced by C.
Protein change: p.Leu750Pro; replaces leucine 750 with proline.
Molecular consequence: missense variant.
Genome position (GRCh38, 1-based): chr1:94,056,734, A>G on the plus strand (T>C on the coding strand, the complement: ABCA4 is on the minus strand). VCF-style: chr1-94056734-A-G. GRCh37 (hg19) VCF-style: chr1-94522290-A-G.
Other names: short protein forms L750P.
Identifiers: ClinVar variation 417984 (VCV000417984.3), dbSNP rs1064793008, ClinGen allele CA16617209.
Genomic context (GRCh38, chr1:94,056,734, plus strand): 5'-AAATAGATGACACCACTACAGGCTGCTGCCAGACTGGCCTTGGAGAAGAAGGTGCTGAGC[A>G]GAAAGCACAGCATGATGGTGGCAGTGGAGAAAGCCAACAAGAACAGGAAGAGGATGAATG-3'
Protein context (NP_000341.2, residues 740-760): FSTATIMLCF[Leu750Pro]LSTFFSKASL